The following is an entry in ClinVar:

ClinVar aggregate classification (germline): Benign/Likely benign. Review status: criteria provided, multiple submitters, no conflicts (2 of 4 stars). 9 submissions from 9 submitters: Benign (1); Likely benign (7). 1 of the submissions does not count toward it. Last evaluated 2025-12-19.

Conditions:
Hereditary nonpolyposis colorectal neoplasms. Identifiers: MedGen C0009405, MeSH D003123.
Hereditary cancer-predisposing syndrome. Also called: Hereditary neoplastic syndrome; Neoplastic Syndromes, Hereditary; Tumor predisposition; Hereditary Cancer Syndrome. Identifiers: Orphanet 140162, MedGen C0027672, MeSH D009386, MONDO:0015356.
Lynch syndrome. Identifiers: Orphanet 144, MedGen C4552100, MONDO:0005835. Disease mechanism: loss of function.
Lynch syndrome 4 (LYNCH4). Also called: Hereditary non-polyposis colorectal cancer, type 4; Colorectal cancer, hereditary nonpolyposis, type 4. Identifiers: Orphanet 144, MedGen C1838333, MONDO:0013699, OMIM 614337. Disease mechanism: loss of function.

Allele frequency attached by ClinVar (database versions not stated): TOPMed below 0.00001; gnomAD 0.00001; ExAC 0.00002; 1000 Genomes Project 30x 0.00016; 1000 Genomes Project 0.00020.
gnomAD v4.1: 18 of 1,610,826 alleles (0.0011%); highest among the groups gnomAD compares: East Asian, 0.0089%; no homozygotes.

Submissions (9):

Labcorp Genetics (formerly Invitae), Labcorp
Classification: Likely benign for Hereditary nonpolyposis colorectal neoplasms. Last evaluated: 2025-12-19. Review status: criteria provided, single submitter. Criteria: Invitae Variant Classification Sherloc (09022015). Collection method: clinical testing. Allele origin: germline.

Myriad Genetics, Inc.
Classification: Benign for Lynch syndrome 4. Last evaluated: 2025-01-23. Review status: criteria provided, single submitter. Criteria: Myriad Autosomal Dominant, Autosomal Recessive and X-Linked Classification Criteria (2023). Collection method: clinical testing. Allele origin: unknown.
Comment: This variant is considered benign. This variant is a silent/synonymous amino acid change and it is not expected to impact splicing.

All of Us Research Program, National Institutes of Health
Classification: Likely benign for Lynch syndrome. Last evaluated: 2023-11-30. Review status: criteria provided, single submitter. Criteria: ACMG Guidelines, 2015. Collection method: clinical testing. Allele origin: germline. Inheritance: Autosomal dominant inheritance. Observed: 1 variant allele, 1 heterozygote.
Comment: This study involves interpretation of variants in research participants for the purpose of population health screening. Participant phenotype was not available at the time of variant classification. Additional details can be found in publication PMID: 35346344, PMCID: PMC8962531

Sema4
Classification: Likely benign for Hereditary cancer-predisposing syndrome. Last evaluated: 2022-01-07. Review status: criteria provided, single submitter. Criteria: Sema4 Curation Guidelines. Collection method: curation. Allele origin: germline.

Women's Health and Genetics/Laboratory Corporation of America, LabCorp
Classification: Likely benign. Last evaluated: 2019-08-29. Review status: criteria provided, single submitter. Criteria: LabCorp Variant Classification Summary - May 2015. Collection method: clinical testing. Allele origin: germline.

GeneDx
Classification: Likely benign. Last evaluated: 2017-06-27. Review status: criteria provided, single submitter. Criteria: GeneDx Variant Classification (06012015). Collection method: clinical testing. Allele origin: germline. Affected: yes.
Comment: This variant is considered likely benign or benign based on one or more of the following criteria: it is a conservative change, it occurs at a poorly conserved position in the protein, it is predicted to be benign by multiple in silico algorithms, and/or has population frequency not consistent with disease.

Color Diagnostics, LLC DBA Color Health
Classification: Likely benign for Hereditary cancer-predisposing syndrome. Last evaluated: 2016-04-20. Review status: criteria provided, single submitter. Criteria: ACMG Guidelines, 2015. Collection method: clinical testing. Allele origin: germline.

Ambry Genetics
Classification: Likely benign for Hereditary cancer-predisposing syndrome. Last evaluated: 2014-06-16. Review status: criteria provided, single submitter. Criteria: Ambry Variant Classification Scheme 2023. Collection method: clinical testing. Allele origin: germline.

Department of Pathology and Laboratory Medicine, Sinai Health System
Classification: Likely benign for Lynch syndrome. Review status: no assertion criteria provided. Collection method: clinical testing. Allele origin: unknown. Affected: yes. Study: The Canadian Open Genetics Repository (COGR). Not counted in ClinVar's aggregate classification.
Comment: The PMS2 p.Ala38= variant was not identified in the literature. The variant was identified in dbSNP (rs558032755) as â€šÃ„Ãºwith uncertain significance alleleâ€šÃ„Ã¹ and ClinVar (interpreted as "likely benign" by Invitae and 3 others and "uncertain significance by Integrated Genetics). The variant was identified in control databases in 3 of 240,422 chromosomes at a frequency of 0.00001 (Genome Aggregation Database Feb 27, 2017). The variant was observed in the following populations: African in 1 of 14,152 chromosomes (freq: 0.00007), East Asian in 2 of 17,130 chromosomes (freq: 0.0001), but not observed in the Other, Latino, European, Ashkenazi Jewish, Finnish, and South Asian populations. The p.Ala38= variant is not expected to have clinical significance because it does not result in a change of amino acid. The variant occurs at a non-conserved nucleotide outside of the splicing consensus sequence and in silico or computational prediction software programs (SpliceSiteFinder, MaxEntScan, NNSPLICE, GeneSplicer) do not predict a difference in splicing. In summary, based on the above information the clinical significance of this variant cannot be determined with certainty at this time although we would lean towards a more benign role for this variant. This variant is classified as likely benign.

NM_000535.7(PMS2):c.114G>A (p.Ala38=)

Gene: PMS2 (PMS1 homolog 2, mismatch repair system component; minus strand). Cytogenetic location: 7p22.1.
Variant type: single nucleotide variant.
Coding change: c.114G>A on transcript NM_000535.7 (MANE Select); coding-DNA position 114, G replaced by A.
Protein change: p.Ala38=; no amino-acid change (alanine 38 retained).
Molecular consequence: synonymous variant. On other transcripts: 5 prime UTR variant (8), non-coding transcript variant (1), intron variant (3).
Genome position (GRCh38, 1-based): chr7:6,005,941, C>T on the plus strand (G>A on the coding strand, the complement: PMS2 is on the minus strand). VCF-style: chr7-6005941-C-T. GRCh37 (hg19) VCF-style: chr7-6045572-C-T.
Other names: c.-292G>A (NM_001322003.2, NM_001322005.2, NM_001322009.2 and 1 more transcripts); c.114G>A, p.Ala38= (NM_001322006.2, NM_001322014.2); c.-102G>A (NM_001322007.2); c.-771G>A (NM_001322011.2, NM_001322012.2); c.-371G>A (NM_001322015.2); c.-52-1883G>A (NM_001322008.2); c.-242-1883G>A (NM_001322010.2, NM_001322004.2).
Identifiers: ClinVar variation 185546 (VCV000185546.23), dbSNP rs558032755, ClinGen allele CA009264.